The following is an entry in ClinVar:

ClinVar aggregate classification (germline): Uncertain significance (1 of 4 stars; one submission).

gnomAD v4.1: 1 of 1,549,756 alleles (0.000065%); highest among the groups gnomAD compares: Non-Finnish European, 0.000087%; no homozygotes.

Submission:

Labcorp Genetics (formerly Invitae), Labcorp
Classification: Uncertain significance. Last evaluated: 2025-07-22. Review status: criteria provided, single submitter. Criteria: Invitae Variant Classification Sherloc (09022015). Collection method: clinical testing. Allele origin: germline.
Comment: This sequence change replaces arginine, which is basic and polar, with lysine, which is basic and polar, at codon 204 of the ZNF469 protein (p.Arg204Lys). This variant is not present in population databases (gnomAD no frequency). This variant has not been reported in the literature in individuals affected with ZNF469-related conditions. An algorithm developed to predict the effect of missense changes on protein structure and function (PolyPhen-2) suggests that this variant is likely to be tolerated. In summary, the available evidence is currently insufficient to determine the role of this variant in disease. Therefore, it has been classified as a Variant of Uncertain Significance.

NM_001367624.2(ZNF469):c.611G>A (p.Arg204Lys)

Gene: ZNF469 (zinc finger protein 469; plus strand). Cytogenetic location: 16q24.2.
Variant type: single nucleotide variant.
Coding change: c.611G>A on transcript NM_001367624.2 (MANE Select); coding-DNA position 611, G replaced by A.
Protein change: p.Arg204Lys; replaces arginine 204 with lysine.
Molecular consequence: missense variant.
Genome position (GRCh38, 1-based): chr16:88,428,081, G>A. VCF-style: chr16-88428081-G-A. GRCh37 (hg19) VCF-style: chr16-88494489-G-A.
Other names: short protein forms R204K.
Identifiers: ClinVar variation 4798716 (VCV004798716.1).